The following is an entry in ClinVar:

ClinVar aggregate classification (germline): Uncertain significance. Review status: criteria provided, multiple submitters, no conflicts (2 of 4 stars). 2 submissions from 2 submitters: Uncertain significance (2). Last evaluated 2025-10-07.

Conditions:
Intellectual disability, autosomal recessive 53 (NEDHSCA). Also called: GLYCOSYLPHOSPHATIDYLINOSITOL BIOSYNTHESIS DEFECT 13; Mental retardation, autosomal recessive 53; NEURODEVELOPMENTAL DISORDER WITH OR WITHOUT HYPOTONIA, SEIZURES, AND CEREBELLAR ATROPHY. Identifiers: Orphanet 488635, MedGen C4310794, MONDO:0014832, OMIM 616917.
Inborn genetic diseases. Identifiers: MedGen C0950123, MeSH D030342.

Allele frequency attached by ClinVar (database versions not stated): gnomAD exomes below 0.00001.
gnomAD v4.1: 1 of 1,611,616 alleles (0.000062%); highest among the groups gnomAD compares: African/African-American, 0.0013%; no homozygotes.

Submissions (2):

Ambry Genetics
Classification: Uncertain significance for Inborn genetic diseases. Last evaluated: 2025-10-07. Review status: criteria provided, single submitter. Criteria: Ambry Variant Classification Scheme 2023. Collection method: clinical testing. Allele origin: germline.

Labcorp Genetics (formerly Invitae), Labcorp
Classification: Uncertain significance for Intellectual disability, autosomal recessive 53. Last evaluated: 2022-08-15. Review status: criteria provided, single submitter. Criteria: Invitae Variant Classification Sherloc (09022015). Collection method: clinical testing. Allele origin: germline.
Comment: This sequence change replaces glycine, which is neutral and non-polar, with arginine, which is basic and polar, at codon 374 of the PIGG protein (p.Gly374Arg). This variant is not present in population databases (gnomAD no frequency). This variant has not been reported in the literature in individuals affected with PIGG-related conditions. Algorithms developed to predict the effect of missense changes on protein structure and function are either unavailable or do not agree on the potential impact of this missense change (SIFT: "Tolerated"; PolyPhen-2: "Probably Damaging"; Align-GVGD: "Class C0"). In summary, the available evidence is currently insufficient to determine the role of this variant in disease. Therefore, it has been classified as a Variant of Uncertain Significance.

NM_001127178.3(PIGG):c.1120G>C (p.Gly374Arg)

Gene: PIGG (phosphatidylinositol glycan anchor biosynthesis class G (EMM blood group); plus strand). Cytogenetic location: 4p16.3.
Variant type: single nucleotide variant.
Coding change: c.1120G>C on transcript NM_001127178.3 (MANE Select); coding-DNA position 1120, G replaced by C.
Protein change: p.Gly374Arg; replaces glycine 374 with arginine.
Molecular consequence: missense variant. On other transcripts: 5 prime UTR variant (2), non-coding transcript variant (10), intron variant (1).
Genome position (GRCh38, 1-based): chr4:521,061, G>C. VCF-style: chr4-521061-G-C. GRCh37 (hg19) VCF-style: chr4-514850-G-C.
Other names: c.1120G>C (NM_001127178.1); c.853G>C, p.Gly285Arg (NM_001289051.2, NM_001289053.2, NM_001345986.2 and 1 more transcripts); c.721G>C, p.Gly241Arg (NM_001289052.2); c.754G>C, p.Gly252Arg (NM_001289055.2); c.91G>C, p.Gly31Arg (NM_001345988.2); c.1120G>C, p.Gly374Arg (NM_001345989.2, NM_017733.5); c.-368G>C (NM_001345990.2, NM_001345991.2); c.46G>C, p.Gly16Arg (NM_001345994.2); and 1 more; short protein forms G285R, G31R, G16R, G252R, G374R, G241R.
Identifiers: ClinVar variation 2182359 (VCV002182359.2), dbSNP rs2474869857, ClinGen allele CA355903471.